The following is an entry in ClinVar:

ClinVar aggregate classification (germline): Uncertain significance (1 of 4 stars; one submission).

Submission:

Labcorp Genetics (formerly Invitae), Labcorp
Classification: Uncertain significance. Last evaluated: 2026-01-19. Review status: criteria provided, single submitter. Criteria: Invitae Variant Classification Sherloc (09022015). Collection method: clinical testing. Allele origin: germline.
Comment: This sequence change replaces lysine, which is basic and polar, with asparagine, which is neutral and polar, at codon 737 of the DDX58 protein (p.Lys737Asn). This variant is not present in population databases (gnomAD no frequency). This variant has not been reported in the literature in individuals affected with DDX58-related conditions. Invitae Evidence Modeling of protein sequence and biophysical properties (such as structural, functional, and spatial information, amino acid conservation, physicochemical variation, residue mobility, and thermodynamic stability) has been performed for this missense variant. However, the output from this modeling did not meet the statistical confidence thresholds required to predict the impact of this variant on DDX58 protein function. In summary, the available evidence is currently insufficient to determine the role of this variant in disease. Therefore, it has been classified as a Variant of Uncertain Significance.

NM_014314.4(RIGI):c.2211G>C (p.Lys737Asn)

Gene: RIGI (RNA sensor RIG-I; minus strand). Cytogenetic location: 9p21.1.
Variant type: single nucleotide variant.
Coding change: c.2211G>C on transcript NM_014314.4 (MANE Select); coding-DNA position 2211, G replaced by C.
Protein change: p.Lys737Asn; replaces lysine 737 with asparagine.
Molecular consequence: missense variant.
Genome position (GRCh38, 1-based): chr9:32,466,416, C>G on the plus strand (G>C on the coding strand, the complement: RIGI is on the minus strand). VCF-style: chr9-32466416-C-G. GRCh37 (hg19) VCF-style: chr9-32466414-C-G.
Other names: c.2205G>C, p.Lys735Asn (NM_001385907.1); c.2040G>C, p.Lys680Asn (NM_001385909.1); c.1770G>C, p.Lys590Asn (NM_001385910.1); c.1602G>C, p.Lys534Asn (NM_001385912.1); c.2196G>C, p.Lys732Asn (NM_001385913.1); c.1767G>C, p.Lys589Asn (NM_001385914.1); short protein forms K534N, K589N, K732N, K590N, K680N, K737N, K735N.
Identifiers: ClinVar variation 4740636 (VCV004740636.1).